The following is an entry in ClinVar:

GRCh37/hg19 2q37.3(chr2:239894072-243048760)x1

Genes: AGXT (alanine--glyoxylate aminotransferase; plus strand), ANKMY1 (ankyrin repeat and MYND domain containing 1; minus strand), ANO7 (anoctamin 7; plus strand), AQP12A (aquaporin 12A; plus strand), AQP12B (aquaporin 12B; minus strand) and 33 more. Cytogenetic location: 2q37.3.
Variant type: copy number loss.
Change: copy number 1 (one copy instead of two) of chr2:239,894,072-243,048,760 (3.15 Mb, GRCh37 coordinates, 1-based), cytogenetic band 2q37.3.
Identifiers: ClinVar variation 638101 (VCV000638101.2).

ClinVar aggregate classification (germline): Pathogenic (1 of 4 stars; one submission).

Submission:

Clinical Genomics Laboratory, Laboratory for Precision Diagnostics, University of Washington
Classification: Pathogenic. Last evaluated: 2018-07-20. Review status: criteria provided, single submitter. Criteria: Clinical Cytogenomics Laboratory Policy on CNV Interpretation. Collection method: clinical testing. Allele origin: unknown. Affected: yes. Observed: 1 variant allele.

Literature cited by the submitters: PubMed 27216161; PubMed 20799321.